The following is an entry in ClinVar:

NM_000352.6(ABCC8):c.3628del (p.Leu1210fs)

Gene: ABCC8 (ATP binding cassette subfamily C member 8; minus strand). Cytogenetic location: 11p15.1.
Variant type: Deletion.
Coding change: c.3628del on transcript NM_000352.6 (MANE Select); coding-DNA position 3628, one base deleted (C; older notation c.3628delC).
Protein change: p.Leu1210fs; shifts the reading frame from leucine 1210.
Molecular consequence: frameshift variant. On other transcripts: non-coding transcript variant (1).
Genome position (GRCh38, 1-based): chr11:17,402,683, G deleted on the plus strand (C on the coding strand, the reverse complement: ABCC8 is on the minus strand). VCF-style (leftmost placement, unchanged base first): chr11-17402682-AG-A. GRCh37 (hg19) VCF-style: chr11-17424229-AG-A.
Other names: c.3631del, p.Leu1211fs (NM_001287174.3); c.3694del, p.Leu1232fs (NM_001351295.2); c.3628del, p.Leu1210fs (NM_001351296.2); c.3625del, p.Leu1209fs (NM_001351297.2); short protein forms L1209fs, L1210fs, L1211fs, L1232fs.
Identifiers: ClinVar variation 5014747 (VCV005014747.1).

ClinVar aggregate classification (germline): Pathogenic (1 of 4 stars; one submission).

Conditions:
Hyperinsulinemic hypoglycemia, familial, 1 (HHF1). Also called: HYPERINSULINISM, FAMILIAL, WITH PANCREATIC NESIDIOBLASTOSIS; HYPOGLYCEMIA, HYPERINSULINEMIC, OF INFANCY; NESIDIOBLASTOSIS OF PANCREAS; Persistent Hyperinsulinemia Hypoglycemia of Infancy; Persistent hyperinsulinemic hypoglycemia of infancy. Identifiers: Orphanet 276575, Orphanet 276598, MedGen C2931832, MONDO:0009734, OMIM 256450.

Submission:

Myriad Genetics, Inc.
Classification: Pathogenic for Hyperinsulinemic hypoglycemia, familial, 1. Last evaluated: 2025-07-20. Review status: criteria provided, single submitter. Criteria: Myriad Autosomal Dominant, Autosomal Recessive and X-Linked Classification Criteria (2023). Collection method: clinical testing. Allele origin: unknown.
Comment: NM_000352.3(ABCC8):c.3628delC(L1210Sfs*55) is expected to be pathogenic in the context of familial hyperinsulinism, ABCC8-related. This variant is predicted to lead to an abnormal or absent protein product due to the creation of a premature termination codon in ABCC8, a gene where loss-of-function variants are known to be pathogenic. Please note: this variant was assessed in the context of healthy population screening.